The following is an entry in ClinVar:

ClinVar aggregate classification (germline): Uncertain significance (1 of 4 stars; one submission).

Allele frequency attached by ClinVar (database versions not stated): TOPMed below 0.00001.

Submission:

Labcorp Genetics (formerly Invitae), Labcorp
Classification: Uncertain significance. Last evaluated: 2022-05-29. Review status: criteria provided, single submitter. Criteria: Invitae Variant Classification Sherloc (09022015). Collection method: clinical testing. Allele origin: germline.
Comment: In summary, the available evidence is currently insufficient to determine the role of this variant in disease. Therefore, it has been classified as a Variant of Uncertain Significance. Advanced modeling of protein sequence and biophysical properties (such as structural, functional, and spatial information, amino acid conservation, physicochemical variation, residue mobility, and thermodynamic stability) performed at Invitae indicates that this missense variant is not expected to disrupt FAT4 protein function. This variant has not been reported in the literature in individuals affected with FAT4-related conditions. This variant is not present in population databases (gnomAD no frequency). This sequence change replaces tyrosine, which is neutral and polar, with asparagine, which is neutral and polar, at codon 4046 of the FAT4 protein (p.Tyr4046Asn).

NM_001291303.3(FAT4):c.12142T>A (p.Tyr4048Asn)

Gene: FAT4 (FAT atypical cadherin 4; plus strand). Cytogenetic location: 4q28.1.
Variant type: single nucleotide variant.
Coding change: c.12142T>A on transcript NM_001291303.3 (MANE Select); coding-DNA position 12142, T replaced by A.
Protein change: p.Tyr4048Asn; replaces tyrosine 4048 with asparagine.
Molecular consequence: missense variant.
Genome position (GRCh38, 1-based): chr4:125,468,748, T>A. VCF-style: chr4-125468748-T-A. GRCh37 (hg19) VCF-style: chr4-126389903-T-A.
Other names: c.12142T>A, p.Tyr4048Asn (NM_001291285.3); c.12136T>A, p.Tyr4046Asn (NM_024582.6); short protein forms Y4048N, Y4046N.
Identifiers: ClinVar variation 2000710 (VCV002000710.2), dbSNP rs1726759611, ClinGen allele CA358128782.